The following is an entry in ClinVar:

NM_019074.4(DLL4):c.1001G>A (p.Arg334His)

Gene: DLL4 (delta like canonical Notch ligand 4; plus strand). Cytogenetic location: 15q15.1.
Variant type: single nucleotide variant.
Coding change: c.1001G>A on transcript NM_019074.4 (MANE Select); coding-DNA position 1001, G replaced by A.
Protein change: p.Arg334His; replaces arginine 334 with histidine.
Molecular consequence: missense variant.
Genome position (GRCh38, 1-based): chr15:40,934,698, G>A. VCF-style: chr15-40934698-G-A. GRCh37 (hg19) VCF-style: chr15-41226896-G-A.
Other names: short protein forms R334H.
Identifiers: ClinVar variation 1437535 (VCV001437535.8), dbSNP rs781059377, ClinGen allele CA7487820.

ClinVar aggregate classification (germline): Uncertain significance (1 of 4 stars; one submission).

gnomAD v4.1: 22 of 1,613,474 alleles (0.0014%); highest among the groups gnomAD compares: South Asian, 0.0066%; no homozygotes.

Submission:

Labcorp Genetics (formerly Invitae), Labcorp
Classification: Uncertain significance. Last evaluated: 2022-11-22. Review status: criteria provided, single submitter. Criteria: Invitae Variant Classification Sherloc (09022015). Collection method: clinical testing. Allele origin: germline.
Comment: This variant is present in population databases (rs781059377, gnomAD 0.01%). In summary, the available evidence is currently insufficient to determine the role of this variant in disease. Therefore, it has been classified as a Variant of Uncertain Significance. Advanced modeling of protein sequence and biophysical properties (such as structural, functional, and spatial information, amino acid conservation, physicochemical variation, residue mobility, and thermodynamic stability) performed at Invitae indicates that this missense variant is not expected to disrupt DLL4 protein function. ClinVar contains an entry for this variant (Variation ID: 1437535). This variant has not been reported in the literature in individuals affected with DLL4-related conditions. This sequence change replaces arginine, which is basic and polar, with histidine, which is basic and polar, at codon 334 of the DLL4 protein (p.Arg334His).